The following is an entry in ClinVar:

ClinVar aggregate classification (germline): Uncertain significance (1 of 4 stars; one submission).

Allele frequency attached by ClinVar (database versions not stated): gnomAD 0.00001.
gnomAD v4.1: 4 of 1,598,078 alleles (0.00025%); highest among the groups gnomAD compares: African/African-American, 0.0027%; no homozygotes.

Submission:

Labcorp Genetics (formerly Invitae), Labcorp
Classification: Uncertain significance. Last evaluated: 2025-05-05. Review status: criteria provided, single submitter. Criteria: Invitae Variant Classification Sherloc (09022015). Collection method: clinical testing. Allele origin: germline.
Comment: This sequence change replaces threonine, which is neutral and polar, with isoleucine, which is neutral and non-polar, at codon 255 of the TBCK protein (p.Thr255Ile). This variant is not present in population databases (gnomAD no frequency). This variant has not been reported in the literature in individuals affected with TBCK-related conditions. ClinVar contains an entry for this variant (Variation ID: 1967900). Invitae Evidence Modeling of protein sequence and biophysical properties (such as structural, functional, and spatial information, amino acid conservation, physicochemical variation, residue mobility, and thermodynamic stability) indicates that this missense variant is not expected to disrupt TBCK protein function with a negative predictive value of 80%. In summary, the available evidence is currently insufficient to determine the role of this variant in disease. Therefore, it has been classified as a Variant of Uncertain Significance.

NM_001163435.3(TBCK):c.764C>T (p.Thr255Ile)

Gene: TBCK (TBC1 domain containing kinase; minus strand). Cytogenetic location: 4q24.
Variant type: single nucleotide variant.
Coding change: c.764C>T on transcript NM_001163435.3 (MANE Select); coding-DNA position 764, C replaced by T.
Protein change: p.Thr255Ile; replaces threonine 255 with isoleucine.
Molecular consequence: missense variant.
Genome position (GRCh38, 1-based): chr4:106,248,263, G>A on the plus strand (C>T on the coding strand, the complement: TBCK is on the minus strand). VCF-style: chr4-106248263-G-A. GRCh37 (hg19) VCF-style: chr4-107169420-G-A.
Other names: c.764C>T, p.Thr255Ile (NM_001163436.4); c.647C>T, p.Thr216Ile (NM_001163437.3); c.248C>T, p.Thr83Ile (NM_001290768.2); c.575C>T, p.Thr192Ile (NM_033115.5); short protein forms T192I, T216I, T255I, T83I.
Identifiers: ClinVar variation 1967900 (VCV001967900.3), dbSNP rs1761051142, ClinGen allele CA357824961.
Genomic context (GRCh38, chr4:106,248,263, plus strand): 5'-TAAAGGATCTCAATGTAATCCCAATCTCTAAATAATATCAACCTCTTAGAAGGATGGAAG[G>A]TAAGGCACTTATTCAAAAGATCTATCACAGTTTCAGGAAGCTCCTGGTAAATAAAGAGAG-3'
Protein context (NP_001156907.2, residues 245-265): TVIDLLNKCL[Thr255Ile]FHPSKRPTPD